The following is an entry in ClinVar:

NM_000256.3(MYBPC3):c.1927+16C>G

Gene: MYBPC3 (myosin binding protein C3; minus strand). Cytogenetic location: 11p11.2.
Variant type: single nucleotide variant.
Coding change: c.1927+16C>G on transcript NM_000256.3 (MANE Select); 16 bases into the intron after coding-DNA position 1927, C replaced by G.
Genome position (GRCh38, 1-based): chr11:47,340,987, G>C on the plus strand (C>G on the coding strand, the complement: MYBPC3 is on the minus strand). VCF-style: chr11-47340987-G-C. GRCh37 (hg19) VCF-style: chr11-47362538-G-C.
Other names: c.1927+16C>G (LRG_386t1).
Identifiers: ClinVar variation 381335 (VCV000381335.1), dbSNP rs1057521019, ClinGen allele CA16606937.

ClinVar aggregate classification (germline): Likely benign (1 of 4 stars; one submission).

Submission:

GeneDx
Classification: Likely benign. Last evaluated: 2015-11-11. Review status: criteria provided, single submitter. Criteria: GeneDx Variant Classification (06012015). Collection method: clinical testing. Allele origin: germline. Affected: yes.
Comment: This variant is considered likely benign or benign based on one or more of the following criteria: it is a conservative change, it occurs at a poorly conserved position in the protein, it is predicted to be benign by multiple in silico algorithms, and/or has population frequency not consistent with disease.